The following is an entry in ClinVar:

NM_000079.4(CHRNA1):c.1231G>A (p.Glu411Lys)

Gene: CHRNA1 (cholinergic receptor nicotinic alpha 1 subunit; minus strand). Cytogenetic location: 2q31.1.
Variant type: single nucleotide variant.
Coding change: c.1231G>A on transcript NM_000079.4 (MANE Select); coding-DNA position 1231, G replaced by A.
Protein change: p.Glu411Lys; replaces glutamic acid 411 with lysine.
Molecular consequence: missense variant.
Genome position (GRCh38, 1-based): chr2:174,748,591, C>T on the plus strand (G>A on the coding strand, the complement: CHRNA1 is on the minus strand). VCF-style: chr2-174748591-C-T. GRCh37 (hg19) VCF-style: chr2-175613319-C-T.
Other names: c.1306G>A, p.Glu436Lys (NM_001039523.3); c.1231G>A (NM_000079.3); short protein forms E411K, E436K.
Identifiers: ClinVar variation 2961488 (VCV002961488.4), dbSNP rs781158981, ClinGen allele CA1974341.

ClinVar aggregate classification (germline): Uncertain significance. Review status: criteria provided, multiple submitters, no conflicts (2 of 4 stars). 2 submissions from 2 submitters: Uncertain significance (2). Last evaluated 2026-03-10.

Conditions:
Inborn genetic diseases. Identifiers: MedGen C0950123, MeSH D030342.
Lethal multiple pterygium syndrome (LMPS). Identifiers: Orphanet 33108, MedGen C1854678, MONDO:0009668, OMIM 253290.

Allele frequency attached by ClinVar (database versions not stated): ExAC 0.00001; gnomAD 0.00001; gnomAD exomes 0.00001; TOPMed 0.00003.
gnomAD v4.1: 7 of 1,612,358 alleles (0.00043%); highest among the groups gnomAD compares: East Asian, 0.0045%; no homozygotes.

Submissions (2):

Ambry Genetics
Classification: Uncertain significance for Inborn genetic diseases. Last evaluated: 2026-03-10. Review status: criteria provided, single submitter. Criteria: Ambry Variant Classification Scheme 2023. Collection method: clinical testing. Allele origin: germline.

Labcorp Genetics (formerly Invitae), Labcorp
Classification: Uncertain significance for Lethal multiple pterygium syndrome. Last evaluated: 2025-01-13. Review status: criteria provided, single submitter. Criteria: Invitae Variant Classification Sherloc (09022015). Collection method: clinical testing. Allele origin: germline.
Comment: This sequence change replaces glutamic acid, which is acidic and polar, with lysine, which is basic and polar, at codon 411 of the CHRNA1 protein (p.Glu411Lys). This variant is present in population databases (rs781158981, gnomAD no frequency). This variant has not been reported in the literature in individuals affected with CHRNA1-related conditions. ClinVar contains an entry for this variant (Variation ID: 2961488). Invitae Evidence Modeling of protein sequence and biophysical properties (such as structural, functional, and spatial information, amino acid conservation, physicochemical variation, residue mobility, and thermodynamic stability) indicates that this missense variant is not expected to disrupt CHRNA1 protein function with a negative predictive value of 80%. In summary, the available evidence is currently insufficient to determine the role of this variant in disease. Therefore, it has been classified as a Variant of Uncertain Significance.